The following is an entry in ClinVar:

ClinVar aggregate classification (germline): Uncertain significance. Review status: criteria provided, multiple submitters, no conflicts (2 of 4 stars). 4 submissions from 4 submitters: Uncertain significance (4). Last evaluated 2026-06-25.

Conditions:
Familial cold autoinflammatory syndrome 3 (FCAS3). Also called: FAMILIAL ATYPICAL COLD URTICARIA; ANTIBODY DEFICIENCY AND IMMUNE DYSREGULATION, PLCG2-ASSOCIATED. Identifiers: Orphanet 300359, MedGen C3280914, MONDO:0013766, OMIM 614468.
PLCG2-related disorder. Also called: PLCG2-related condition.
Autoinflammation-PLCG2-associated antibody deficiency-immune dysregulation. Also called: Autoinflammation, antibody deficiency, and immune dysregulation syndrome; Autoinflammation, antibody deficiency, and immune dysregulation, plcg2-associated; AUTOINFLAMMATION, ANTIBODY DEFICIENCY, AND IMMUNE DYSREGULATION. Identifiers: Orphanet 324530, MedGen C3553961, MONDO:0013944, OMIM 614878.

Allele frequency attached by ClinVar (database versions not stated): ExAC 0.00001; gnomAD 0.00001; gnomAD exomes 0.00001 and 0.00002; TOPMed 0.00003.
gnomAD v4.1: 26 of 1,613,754 alleles (0.0016%); highest among the groups gnomAD compares: East Asian, 0.011%; 1 homozygote.

Submissions (4):

PreventionGenetics, part of Exact Sciences
Classification: Uncertain significance for PLCG2-related condition. Last evaluated: 2026-06-25. Review status: criteria provided, single submitter. Criteria: ACMG Guidelines, 2015. Collection method: clinical testing. Allele origin: germline.
Comment: The PLCG2 c.3109G>A variant is predicted to result in the amino acid substitution p.Val1037Ile. This variant was reported in an individual with an inborn error of immunity (table S5, Vorsteveld et al. 2024. PubMed ID: 39369972). This variant is reported in 0.0065% of alleles in individuals of South Asian descent in gnomAD. At this time, the clinical significance of this variant is uncertain due to the absence of conclusive functional and genetic evidence.

Labcorp Genetics (formerly Invitae), Labcorp
Classification: Uncertain significance for Familial cold autoinflammatory syndrome 3. Last evaluated: 2025-11-23. Review status: criteria provided, single submitter. Criteria: Invitae Variant Classification Sherloc (09022015). Collection method: clinical testing. Allele origin: germline.
Comment: This sequence change replaces valine, which is neutral and non-polar, with isoleucine, which is neutral and non-polar, at codon 1037 of the PLCG2 protein (p.Val1037Ile). This variant is present in population databases (rs373561919, gnomAD 0.006%). This missense change has been observed in individual(s) with clinical features of PLCG2-related conditions (PMID: 39369972). ClinVar contains an entry for this variant (Variation ID: 568526). An algorithm developed to predict the effect of missense changes on protein structure and function (PolyPhen-2) suggests that this variant is likely to be tolerated. In summary, the available evidence is currently insufficient to determine the role of this variant in disease. Therefore, it has been classified as a Variant of Uncertain Significance.

Fulgent Genetics
Classification: Uncertain significance for Familial cold autoinflammatory syndrome 3; Autoinflammation-PLCG2-associated antibody deficiency-immune dysregulation. Last evaluated: 2022-03-04. Review status: criteria provided, single submitter. Criteria: ACMG Guidelines, 2015. Collection method: clinical testing. Allele origin: unknown.

Center for Genomics, Ann and Robert H. Lurie Children's Hospital of Chicago
Classification: Uncertain significance for Autoinflammation-PLCG2-associated antibody deficiency-immune dysregulation; Familial cold autoinflammatory syndrome 3. Review status: criteria provided, single submitter. Criteria: ACMG Guidelines, 2015. Collection method: clinical testing. Allele origin: germline.
Comment: PLCG2 NM_002661.4 exon 28 p.Val1037Ile (c.3109G>A): This variant has not been reported in the literature but is present in 0.006% (2/30598) of South Asian alleles, including 1 homozygote, in the Genome Aggregation Database. This variant is present in ClinVar (Variation ID:568526). Although this position is largely conserved in evolution, this variant amino acid Isoleucine (Ile) is present in 6 species (Green seaturtle, Painted turtle, Chinese softshell turtle, Spiny softshell turtle, X tropicalis, Coelacanth); this suggests that this variant may not impact the protein. Additional computational prediction tools do not suggest an impact. In summary, data on this variant is insufficient for disease classification. Therefore, the clinical significance of this variant is uncertain.

Literature cited by the submitters: PubMed 39369972 (cited by Labcorp Genetics (formerly Invitae), Labcorp).

NM_002661.5(PLCG2):c.3109G>A (p.Val1037Ile)

Gene: PLCG2 (phospholipase C gamma 2; plus strand). Cytogenetic location: 16q23.3.
Variant type: single nucleotide variant.
Coding change: c.3109G>A on transcript NM_002661.5 (MANE Select); coding-DNA position 3109, G replaced by A.
Protein change: p.Val1037Ile; replaces valine 1037 with isoleucine.
Molecular consequence: missense variant.
Genome position (GRCh38, 1-based): chr16:81,937,814, G>A. VCF-style: chr16-81937814-G-A. GRCh37 (hg19) VCF-style: chr16-81971419-G-A.
Other names: short protein forms V1037I.
Identifiers: ClinVar variation 568526 (VCV000568526.14), dbSNP rs373561919, ClinGen allele CA8194567.